The following is an entry in ClinVar:

NM_133181.4(EPS8L3):c.105G>A (p.Met35Ile)

Gene: EPS8L3 (EPS8 signaling adaptor L3; minus strand). Cytogenetic location: 1p13.3.
Variant type: single nucleotide variant.
Coding change: c.105G>A on transcript NM_133181.4 (MANE Select); coding-DNA position 105, G replaced by A.
Protein change: p.Met35Ile; replaces methionine 35 with isoleucine.
Molecular consequence: missense variant. On other transcripts: initiator codon variant (1).
Genome position (GRCh38, 1-based): chr1:109,759,828, C>T on the plus strand (G>A on the coding strand, the complement: EPS8L3 is on the minus strand). VCF-style: chr1-109759828-C-T. GRCh37 (hg19) VCF-style: chr1-110302450-C-T.
Other names: c.3G>A, p.Met1Ile (NM_001319952.2); c.105G>A, p.Met35Ile (NM_024526.4, NM_139053.3); short protein forms M1I, M35I.
Identifiers: ClinVar variation 3041735 (VCV003041735.2), dbSNP rs17598321, ClinGen allele CA995724.

ClinVar aggregate classification (germline): Benign (0 of 4 stars; one submission).

Conditions:
EPS8L3-related disorder. Also called: EPS8L3-related condition.

Allele frequency attached by ClinVar (database versions not stated): 1000 Genomes Project 0.01118; 1000 Genomes Project 30x 0.01156; TOPMed 0.01971; gnomAD 0.02100; ESP Exome Variant Server 0.02253; ExAC 0.02365; gnomAD exomes 0.02798.
gnomAD v4.1: 43,949 of 1,613,764 alleles (2.7%); highest among the groups gnomAD compares: Non-Finnish European, 3%; 751 homozygotes.

Submission:

PreventionGenetics, part of Exact Sciences
Classification: Benign for EPS8L3-related condition. Last evaluated: 2020-06-08. Review status: no assertion criteria provided. Collection method: clinical testing. Allele origin: germline.
Comment: This variant is classified as benign based on ACMG/AMP sequence variant interpretation guidelines (Richards et al. 2015 PMID: 25741868, with internal and published modifications).